The following is an entry in ClinVar:

ClinVar aggregate classification (germline): Uncertain significance (1 of 4 stars; one submission).

Allele frequency attached by ClinVar (database versions not stated): gnomAD 0.00001; TOPMed 0.00001.
gnomAD v4.1: 2 of 1,614,036 alleles (0.00012%); highest among the groups gnomAD compares: Non-Finnish European, 0.00017%; no homozygotes.

Submission:

Labcorp Genetics (formerly Invitae), Labcorp
Classification: Uncertain significance. Last evaluated: 2023-02-14. Review status: criteria provided, single submitter. Criteria: Invitae Variant Classification Sherloc (09022015). Collection method: clinical testing. Allele origin: germline.
Comment: This sequence change replaces glycine, which is neutral and non-polar, with valine, which is neutral and non-polar, at codon 383 of the SLC16A1 protein (p.Gly383Val). This variant is not present in population databases (gnomAD no frequency). This variant has not been reported in the literature in individuals affected with SLC16A1-related conditions. Algorithms developed to predict the effect of missense changes on protein structure and function are either unavailable or do not agree on the potential impact of this missense change (SIFT: "Deleterious"; PolyPhen-2: "Probably Damaging"; Align-GVGD: "Class C0"). In summary, the available evidence is currently insufficient to determine the role of this variant in disease. Therefore, it has been classified as a Variant of Uncertain Significance.

NM_003051.4(SLC16A1):c.1148G>T (p.Gly383Val)

Gene: SLC16A1 (solute carrier family 16 member 1; minus strand). Cytogenetic location: 1p13.2.
Variant type: single nucleotide variant.
Coding change: c.1148G>T on transcript NM_003051.4 (MANE Select); coding-DNA position 1148, G replaced by T.
Protein change: p.Gly383Val; replaces glycine 383 with valine.
Molecular consequence: missense variant.
Genome position (GRCh38, 1-based): chr1:112,917,258, C>A on the plus strand (G>T on the coding strand, the complement: SLC16A1 is on the minus strand). VCF-style: chr1-112917258-C-A. GRCh37 (hg19) VCF-style: chr1-113459880-C-A.
Other names: c.1148G>T, p.Gly383Val (NM_001166496.2); short protein forms G383V.
Identifiers: ClinVar variation 2999354 (VCV002999354.3), dbSNP rs1294613707, ClinGen allele CA341827422.